The following is an entry in ClinVar:

NC_000006.11:g.(?_123536484)_(123959238_?)dup

Gene: TRDN (triadin; minus strand). Cytogenetic location: 6q22.31.
Variant type: Duplication.
Identifiers: ClinVar variation 1411467 (VCV001411467.2).

ClinVar aggregate classification (germline): Uncertain significance (1 of 4 stars; one submission).

Conditions:
Catecholaminergic polymorphic ventricular tachycardia (CVPT). Also called: Catecholamine-induced polymorphic ventricular tachycardia. Identifiers: Orphanet 3286, MedGen C5574922, MONDO:0017990.

Submission:

Labcorp Genetics (formerly Invitae), Labcorp
Classification: Uncertain significance for Catecholaminergic polymorphic ventricular tachycardia 1. Last evaluated: 2020-12-22. Review status: criteria provided, single submitter. Criteria: Invitae Variant Classification Sherloc (09022015). Collection method: clinical testing. Allele origin: germline.
Comment: A copy number gain of the genomic region encompassing the full coding sequence of the TRDN gene has been identified. The boundaries of this event are unknown as they extend beyond the assayed region for this gene and therefore may encompass additional genes. As the precise location of this event is unknown, it may be in tandem or it may be located elsewhere in the genome. This variant has not been reported in the literature in individuals with TRDN-related conditions. Experimental studies and prediction algorithms are not available or were not evaluated, and the functional significance of this variant is currently unknown. In summary, the available evidence is currently insufficient to determine the role of this variant in disease. Therefore, it has been classified as a Variant of Uncertain Significance.